The following is an entry in ClinVar:

ClinVar aggregate classification (germline): Uncertain significance (1 of 4 stars; one submission).

Allele frequency attached by ClinVar (database versions not stated): gnomAD exomes 0.00001.
gnomAD v4.1: 16 of 1,612,608 alleles (0.00099%); highest among the groups gnomAD compares: Admixed American, 0.0017%; no homozygotes.

Submission:

Labcorp Genetics (formerly Invitae), Labcorp
Classification: Uncertain significance. Last evaluated: 2024-02-24. Review status: criteria provided, single submitter. Criteria: Invitae Variant Classification Sherloc (09022015). Collection method: clinical testing. Allele origin: germline.
Comment: This sequence change replaces methionine, which is neutral and non-polar, with valine, which is neutral and non-polar, at codon 279 of the ROR2 protein (p.Met279Val). This variant is present in population databases (no rsID available, gnomAD 0.003%). This variant has not been reported in the literature in individuals affected with ROR2-related conditions. ClinVar contains an entry for this variant (Variation ID: 2089648). Advanced modeling of protein sequence and biophysical properties (such as structural, functional, and spatial information, amino acid conservation, physicochemical variation, residue mobility, and thermodynamic stability) performed at Invitae indicates that this missense variant is not expected to disrupt ROR2 protein function with a negative predictive value of 80%. In summary, the available evidence is currently insufficient to determine the role of this variant in disease. Therefore, it has been classified as a Variant of Uncertain Significance.

NM_004560.4(ROR2):c.835A>G (p.Met279Val)

Gene: ROR2 (receptor tyrosine kinase like orphan receptor 2; minus strand). Cytogenetic location: 9q22.31.
Variant type: single nucleotide variant.
Coding change: c.835A>G on transcript NM_004560.4 (MANE Select); coding-DNA position 835, A replaced by G.
Protein change: p.Met279Val; replaces methionine 279 with valine.
Molecular consequence: missense variant.
Genome position (GRCh38, 1-based): chr9:91,733,224, T>C on the plus strand (A>G on the coding strand, the complement: ROR2 is on the minus strand). VCF-style: chr9-91733224-T-C. GRCh37 (hg19) VCF-style: chr9-94495506-T-C.
Other names: c.835A>G, p.Met279Val (NM_001318204.2); short protein forms M279V.
Identifiers: ClinVar variation 2089648 (VCV002089648.4), dbSNP rs1392637298, ClinGen allele CA373800827.